The following is an entry in ClinVar:

ClinVar aggregate classification (germline): Likely pathogenic (1 of 4 stars; one submission).

Conditions:
Heimler syndrome 1 (HMLR1). Also called: PEROXISOME BIOGENESIS DISORDER 1C. Identifiers: Orphanet 3220, MedGen C4551980, OMIM 234580, MONDO:0024544.
Peroxisome biogenesis disorder 1B (PBD1B). Also called: Refsum disease, infantile form; Infantile Refsum disease; Infantile form of phytanic acid storage disease; PEROXISOME BIOGENESIS DISORDER (NEONATAL ADRENOLEUKODYSTROPHY/INFANTILE REFSUM DISEASE); INFANTILE PHYTANIC ACID STORAGE DISEASE; PEROXISOME BIOGENESIS DISORDER (NALD/IRD). Identifiers: Orphanet 44, MedGen C0282527, MONDO:0011101, OMIM 601539.
Peroxisome biogenesis disorder 1A (Zellweger) (PBD1A). Also called: Zellweger leukodystrophy; Peroxisome biogenesis disorder 1a. Identifiers: MedGen C4721541, MONDO:0008953, OMIM 214100.

Submission:

Juno Genomics, Hangzhou Juno Genomics, Inc
Classification: Likely pathogenic for Heimler syndrome 1; Peroxisome biogenesis disorder 1A (Zellweger); Peroxisome biogenesis disorder 1B. Review status: criteria provided, single submitter. Criteria: ACMG Guidelines, 2015. Collection method: clinical testing. Allele origin: germline.
Comment: Null variant in a gene where loss of function (LOF) is a known mechanism of disease.;Absent from controls (or at extremely low frequency if recessive) in Genome Aggregation Database.

NM_000466.3(PEX1):c.3643G>T (p.Glu1215Ter)

Genes: GATAD1 (GATA zinc finger domain containing 1; plus strand), PEX1 (peroxisomal biogenesis factor 1; minus strand). Cytogenetic location: 7q21.2.
Variant type: single nucleotide variant.
Coding change: c.3643G>T on transcript NM_000466.3 (MANE Select); coding-DNA position 3643, G replaced by T.
Protein change: p.Glu1215Ter; replaces glutamic acid 1215 with a stop codon.
Molecular consequence: nonsense.
Genome position (GRCh38, 1-based): chr7:92,489,417, C>A on the plus strand (G>T on the coding strand, the complement: PEX1 is on the minus strand). VCF-style: chr7-92489417-C-A. GRCh37 (hg19) VCF-style: chr7-92118731-C-A.
Other names: c.3472G>T, p.Glu1158Ter (NM_001282677.2); c.3019G>T, p.Glu1007Ter (NM_001282678.2); short protein forms E1158*, E1007*, E1215*.
Identifiers: ClinVar variation 5007237 (VCV005007237.2).